The following is an entry in ClinVar:

ClinVar aggregate classification (germline): Uncertain significance (1 of 4 stars; one submission).

Conditions:
Cardiovascular phenotype. Identifiers: MedGen CN230736.
Hereditary cancer-predisposing syndrome. Also called: Tumor predisposition; Hereditary neoplastic syndrome; Neoplastic Syndromes, Hereditary; Hereditary Cancer Syndrome. Identifiers: Orphanet 140162, MedGen C0027672, MeSH D009386, MONDO:0015356.

Submission:

Ambry Genetics
Classification: Uncertain significance for Cardiovascular phenotype; Hereditary cancer-predisposing syndrome. Last evaluated: 2025-05-13. Review status: criteria provided, single submitter. Criteria: Ambry Variant Classification Scheme 2023. Collection method: clinical testing. Allele origin: germline.
Comment: The p.E616G variant (also known as c.1847A>G), located in coding exon 16 of the LZTR1 gene, results from an A to G substitution at nucleotide position 1847. The glutamic acid at codon 616 is replaced by glycine, an amino acid with similar properties. This amino acid position is highly conserved in available vertebrate species. In addition, the in silico prediction for this alteration is inconclusive. Based on the available evidence, the clinical significance of this variant remains unclear.

NM_006767.4(LZTR1):c.1847A>G (p.Glu616Gly)

Gene: LZTR1 (leucine zipper like post translational regulator 1; plus strand). Cytogenetic location: 22q11.21.
Variant type: single nucleotide variant.
Coding change: c.1847A>G on transcript NM_006767.4 (MANE Select); coding-DNA position 1847, A replaced by G.
Protein change: p.Glu616Gly; replaces glutamic acid 616 with glycine.
Molecular consequence: missense variant.
Genome position (GRCh38, 1-based): chr22:20,994,931, A>G. VCF-style: chr22-20994931-A-G. GRCh37 (hg19) VCF-style: chr22-21349220-A-G.
Other names: short protein forms E616G.
Identifiers: ClinVar variation 3992249 (VCV003992249.1).
Genomic context (GRCh38, chr22:20,994,931, plus strand): 5'-AGCACTGCCTGAACTTCGTGGTAAAGGAGTCCCACTTCAACCAGGTGATCATGATGAAGG[A>G]GTTCGAGCGCCTCTCCTCTCCACTGATAGTGGAGATTGTGCGGCGGAAGCAGCAGCCGCC-3'
Protein context (NP_006758.2, residues 606-626): SHFNQVIMMK[Glu616Gly]FERLSSPLIV